The following is an entry in ClinVar:

NM_002755.4(MAP2K1):c.965C>T (p.Pro322Leu)

Gene: MAP2K1 (mitogen-activated protein kinase kinase 1; plus strand). Cytogenetic location: 15q22.31.
Variant type: single nucleotide variant.
Coding change: c.965C>T on transcript NM_002755.4 (MANE Select); coding-DNA position 965, C replaced by T.
Protein change: p.Pro322Leu; replaces proline 322 with leucine.
Molecular consequence: missense variant.
Genome position (GRCh38, 1-based): chr15:66,489,219, C>T. VCF-style: chr15-66489219-C-T. GRCh37 (hg19) VCF-style: chr15-66781557-C-T.
Other names: c.821C>T, p.Pro274Leu (NM_001411065.1); short protein forms P274L, P322L.
Identifiers: ClinVar variation 5037519 (VCV005037519.1).

ClinVar aggregate classification (germline): Uncertain significance (1 of 4 stars; one submission).

Submission:

GeneDx
Classification: Uncertain significance. Last evaluated: 2026-04-21. Review status: criteria provided, single submitter. Criteria: GeneDx Variant Classification Process June 2021. Collection method: clinical testing. Allele origin: germline.
Comment: Not observed at significant frequency in large population cohorts (gnomAD); In silico analysis supports that this missense variant has a deleterious effect on protein structure/function; Missense variants in this gene are a common cause of disease and they are underrepresented in the general population; Has not been previously published as pathogenic or benign to our knowledge